The following is an entry in ClinVar:

ClinVar aggregate classification (germline): Uncertain significance (1 of 4 stars; one submission).

Allele frequency attached by ClinVar (database versions not stated): gnomAD exomes below 0.00001.
gnomAD v4.1: 2 of 1,614,128 alleles (0.00012%); highest among the groups gnomAD compares: Non-Finnish European, 0.00017%; no homozygotes.

Submission:

Ambry Genetics
Classification: Uncertain significance. Last evaluated: 2024-07-16. Review status: criteria provided, single submitter. Criteria: Ambry Variant Classification Scheme 2023. Collection method: clinical testing. Allele origin: germline.
Comment: The p.T116I variant (also known as c.347C>T), located in coding exon 1 of the MLH3 gene, results from a C to T substitution at nucleotide position 347. The threonine at codon 116 is replaced by isoleucine, an amino acid with similar properties. This amino acid position is conserved. In addition, the in silico prediction for this alteration is inconclusive. Since supporting evidence is limited at this time, the clinical significance of this alteration remains unclear.

NM_001040108.2(MLH3):c.347C>T (p.Thr116Ile)

Gene: MLH3 (mutL homolog 3; minus strand). Cytogenetic location: 14q24.3.
Variant type: single nucleotide variant.
Coding change: c.347C>T on transcript NM_001040108.2 (MANE Select); coding-DNA position 347, C replaced by T.
Protein change: p.Thr116Ile; replaces threonine 116 with isoleucine.
Molecular consequence: missense variant.
Genome position (GRCh38, 1-based): chr14:75,049,309, G>A on the plus strand (C>T on the coding strand, the complement: MLH3 is on the minus strand). VCF-style: chr14-75049309-G-A. GRCh37 (hg19) VCF-style: chr14-75516012-G-A.
Other names: c.347C>T, p.Thr116Ile (NM_014381.3); short protein forms T116I.
Identifiers: ClinVar variation 1731830 (VCV001731830.3), dbSNP rs1892501882, ClinGen allele CA390450866.
Genomic context (GRCh38, chr14:75,049,309, plus strand): 5'-TCAGCTTCACAAGCTTTCAGGGCTTTTCCACTCTGAAACAGTTTCACAAAAGTTTTCATT[G>A]TCCTGTTTTTCTTGGACGAAATTTCCACAGCACTGGCCATGTCAGCAATATTTGCCAAGG-3'
Protein context (NP_001035197.1, residues 106-126): AVEISSKKNR[Thr116Ile]MKTFVKLFQS